The following is an entry in ClinVar:

ClinVar aggregate classification (germline): Conflicting classifications of pathogenicity. Review status: criteria provided, conflicting classifications (1 of 4 stars). 2 submissions from 2 submitters: Uncertain significance (1); Likely benign (1). Last evaluated 2024-09-20.

Conditions:
Intellectual developmental disorder, autosomal dominant 56. Also called: MENTAL RETARDATION, AUTOSOMAL DOMINANT 56; Intellectual disability, autosomal dominant 56. Identifiers: MedGen C4693389, MONDO:0030922, OMIM 617854.

Submissions (2):

3billion
Classification: Likely benign for Intellectual developmental disorder, autosomal dominant 56. Last evaluated: 2024-09-20. Review status: criteria provided, single submitter. Criteria: ACMG Guidelines, 2015. Collection method: clinical testing. Allele origin: germline. Affected: no.
Comment: The variant was identified in at least one patient who was diagnosed with a different variant in another gene and showed no symptoms related to the gene containing the variant in question.

Victorian Clinical Genetics Services, Murdoch Childrens Research Institute
Classification: Uncertain significance for Intellectual developmental disorder, autosomal dominant 56. Last evaluated: 2019-08-28. Review status: criteria provided, single submitter. Criteria: ACMG Guidelines, 2015. Collection method: clinical testing. Allele origin: germline. Inheritance: Autosomal dominant inheritance. Affected: yes.
Comment: A heterozygous missense variant was identified, NM_001288653.1(CLTC):c.2602G>A in exon 17 of 32 of the CLTC gene. This substitution is predicted to create a minor amino acid change from alanine to threonine at position 868 of the protein, NP_001275582.1(CLTC):p.(Ala868Thr). The alanine at this position has low conservation (100 vertebrates, UCSC), but is located within the Clathrin repeat functional domain. In silico software predictions of the pathogenicity of this variant are conflicting (PolyPhen, SIFT, CADD, MutationTaster). The variant is not present in the gnomAD population database. The variant has not previously been reported in clinical cases. Based on information available at the time of curation, this variant has been classified as a VARIANT of UNCERTAIN SIGNIFICANCE (VUS).

NM_004859.4(CLTC):c.2590G>A (p.Ala864Thr)

Gene: CLTC (clathrin heavy chain; plus strand). Cytogenetic location: 17q23.1.
Variant type: single nucleotide variant.
Coding change: c.2590G>A on transcript NM_004859.4 (MANE Select); coding-DNA position 2590, G replaced by A.
Protein change: p.Ala864Thr; replaces alanine 864 with threonine.
Molecular consequence: missense variant.
Genome position (GRCh38, 1-based): chr17:59,676,982, G>A. VCF-style: chr17-59676982-G-A. GRCh37 (hg19) VCF-style: chr17-57754343-G-A.
Other names: c.2602G>A, p.Ala868Thr (NM_001288653.2); short protein forms A864T, A868T.
Identifiers: ClinVar variation 1805692 (VCV001805692.2), dbSNP rs2509144215, ClinGen allele CA400415700.